The following is an entry in ClinVar:

ClinVar aggregate classification (germline): Uncertain significance (1 of 4 stars; one submission).

Submission:

Dasa
Classification: Uncertain significance. Last evaluated: 2025-10-28. Review status: criteria provided, single submitter. Criteria: DASA Assertion Criteria. Collection method: clinical testing. Allele origin: germline.
Comment: NM_012156.2(EPB41L1):c.290C>T (p.Ala97Val) is a missense variant that results in the substitution of alanine with valine. This variant is absent from population databases. The currently available literature and clinical evidence are not sufficient to establish a definitive association between this variant and the reported condition. Therefore, this variant is classified as a variant of uncertain significance.

NM_012156.2(EPB41L1):c.290C>T (p.Ala97Val)

Gene: EPB41L1 (erythrocyte membrane protein band 4.1 like 1; plus strand). Cytogenetic location: 20q11.23.
Variant type: single nucleotide variant.
Coding change: c.290C>T on transcript NM_012156.2 (MANE Select); coding-DNA position 290, C replaced by T.
Protein change: p.Ala97Val; replaces alanine 97 with valine.
Molecular consequence: missense variant.
Genome position (GRCh38, 1-based): chr20:36,175,663, C>T. VCF-style: chr20-36175663-C-T. GRCh37 (hg19) VCF-style: chr20-34763585-C-T.
Other names: c.290C>T, p.Ala97Val (NM_001258329.1, NM_001424382.1, NM_001424383.1 and 14 more transcripts); c.197C>T, p.Ala66Val (NM_001258330.1); c.104C>T, p.Ala35Val (NM_001258331.2, NM_001424373.1, NM_001424374.1 and 19 more transcripts); short protein forms A35V, A66V, A97V.
Identifiers: ClinVar variation 4883706 (VCV004883706.2).